The following is an entry in ClinVar:

ClinVar aggregate classification (germline): Uncertain significance (1 of 4 stars; one submission).

Conditions:
Emery-Dreifuss muscular dystrophy 5, autosomal dominant (EDMD5). Also called: EMERY-DREIFUSS MUSCULAR DYSTROPHY 5. Identifiers: Orphanet 261, MedGen C2751805, MONDO:0013072, OMIM 612999.

Allele frequency attached by ClinVar (database versions not stated): gnomAD exomes below 0.00001; TOPMed below 0.00001.
gnomAD v4.1: 1 of 1,613,750 alleles (0.000062%); highest among the groups gnomAD compares: Non-Finnish European, 0.000085%; no homozygotes.

Submission:

Labcorp Genetics (formerly Invitae), Labcorp
Classification: Uncertain significance for Emery-Dreifuss muscular dystrophy 5, autosomal dominant. Last evaluated: 2023-05-12. Review status: criteria provided, single submitter. Criteria: Invitae Variant Classification Sherloc (09022015). Collection method: clinical testing. Allele origin: germline.
Comment: In summary, the available evidence is currently insufficient to determine the role of this variant in disease. Therefore, it has been classified as a Variant of Uncertain Significance. Algorithms developed to predict the effect of missense changes on protein structure and function output the following: SIFT: "Not Available"; PolyPhen-2: "Benign"; Align-GVGD: "Not Available". The alanine amino acid residue is found in multiple mammalian species, which suggests that this missense change does not adversely affect protein function. This variant has not been reported in the literature in individuals affected with SYNE2-related conditions. This variant is present in population databases (no rsID available, gnomAD 0.006%). This sequence change replaces threonine, which is neutral and polar, with alanine, which is neutral and non-polar, at codon 1675 of the SYNE2 protein (p.Thr1675Ala).

NM_182914.3(SYNE2):c.5023A>G (p.Thr1675Ala)

Gene: SYNE2 (spectrin repeat containing nuclear envelope protein 2; plus strand). Cytogenetic location: 14q23.2.
Variant type: single nucleotide variant.
Coding change: c.5023A>G on transcript NM_182914.3 (MANE Select); coding-DNA position 5023, A replaced by G.
Protein change: p.Thr1675Ala; replaces threonine 1675 with alanine.
Molecular consequence: missense variant.
Genome position (GRCh38, 1-based): chr14:64,017,730, A>G. VCF-style: chr14-64017730-A-G. GRCh37 (hg19) VCF-style: chr14-64484448-A-G.
Other names: c.5023A>G, p.Thr1675Ala (NM_015180.6); short protein forms T1675A.
Identifiers: ClinVar variation 2813789 (VCV002813789.3), dbSNP rs1268346546, ClinGen allele CA389938539.